The following is an entry in ClinVar:

NM_002547.3(OPHN1):c.1526+2T>G

Gene: OPHN1 (oligophrenin 1; minus strand). Cytogenetic location: Xq12.
Variant type: single nucleotide variant.
Coding change: c.1526+2T>G on transcript NM_002547.3 (MANE Select); the canonical splice donor site of the intron after coding-DNA position 1526, T replaced by G.
Molecular consequence: splice donor variant.
Genome position (GRCh38, 1-based): chrX:68,111,852, A>C on the plus strand (T>G on the coding strand, the complement: OPHN1 is on the minus strand). VCF-style: chrX-68111852-A-C. GRCh37 (hg19) VCF-style: chrX-67331694-A-C.
Other names: c.1526+2T>G (NM_001437258.1).
Identifiers: ClinVar variation 4292003 (VCV004292003.1).
Genomic context (GRCh38, chrX:68,111,852, plus strand): 5'-GTCCAACCACATGGGCCAGTCCTCTAATAGGAACTTTTTCTGAAAATCCAGCAGTTACTT[A>C]CTTGACCAAGTGTCTTATCAGAAGTTCCAGCATCTCTCGGTTCTTTTCTGGTAGCTTATA-3'

ClinVar aggregate classification (germline): Likely pathogenic (1 of 4 stars; one submission).

Conditions:
Intellectual developmental disorder, X-linked, syndromic, Billuart type. Also called: MENTAL RETARDATION, X-LINKED 60; X-linked intellectual disability-cerebellar hypoplasia syndrome. Identifiers: Orphanet 137831, MedGen C1845366, MONDO:0010337, OMIM 300486.

Submission:

3billion
Classification: Likely pathogenic for Intellectual developmental disorder, X-linked, syndromic, Billuart type. Last evaluated: 2024-12-31. Review status: criteria provided, single submitter. Criteria: ACMG Guidelines, 2015. Collection method: clinical testing. Allele origin: germline. Affected: yes.
Comment: The variant is not observed in the gnomAD v4.1.0 dataset. Predicted Consequence/Location: Canonical splice site: predicted to alter splicing and result in a loss or disruption of normal protein function. Multiple pathogenic loss-of-function variants are reported downstream of the variant. Therefore, this variant is classified as Likely pathogenic according to the recommendation of ACMG/AMP guideline.